The following is an entry in ClinVar:

NM_024589.3(ROGDI):c.659C>G (p.Ala220Gly)

Gene: ROGDI (rogdi atypical leucine zipper; minus strand). Cytogenetic location: 16p13.3.
Variant type: single nucleotide variant.
Coding change: c.659C>G on transcript NM_024589.3 (MANE Select); coding-DNA position 659, C replaced by G.
Protein change: p.Ala220Gly; replaces alanine 220 with glycine.
Molecular consequence: missense variant. On other transcripts: non-coding transcript variant (1).
Genome position (GRCh38, 1-based): chr16:4,797,974, G>C on the plus strand (C>G on the coding strand, the complement: ROGDI is on the minus strand). VCF-style: chr16-4797974-G-C. GRCh37 (hg19) VCF-style: chr16-4847975-G-C.
Other names: short protein forms A220G.
Identifiers: ClinVar variation 639052 (VCV000639052.8), dbSNP rs138707436, ClinGen allele CA7882564.

ClinVar aggregate classification (germline): Uncertain significance (1 of 4 stars; one submission).

Conditions:
Amelocerebrohypohidrotic syndrome (KTZS). Also called: EPILEPSY AND YELLOW TEETH; EPILEPSY, DEMENTIA, AND AMELOGENESIS IMPERFECTA; KOHLSCHUTTER SYNDROME; Kohlschutter's syndrome. Identifiers: Orphanet 1946, MedGen C0406740, MONDO:0009185, OMIM 226750.

Allele frequency attached by ClinVar (database versions not stated): gnomAD exomes 0.00002; gnomAD 0.00007 and 0.00009; TOPMed 0.00007; ESP Exome Variant Server 0.00023.
gnomAD v4.1: 15 of 1,607,690 alleles (0.00093%); highest among the groups gnomAD compares: African/African-American, 0.016%; no homozygotes.

Submission:

Labcorp Genetics (formerly Invitae), Labcorp
Classification: Uncertain significance for Amelocerebrohypohidrotic syndrome. Last evaluated: 2022-08-16. Review status: criteria provided, single submitter. Criteria: Invitae Variant Classification Sherloc (09022015). Collection method: clinical testing. Allele origin: germline.
Comment: This sequence change replaces alanine, which is neutral and non-polar, with glycine, which is neutral and non-polar, at codon 220 of the ROGDI protein (p.Ala220Gly). This variant is present in population databases (rs138707436, gnomAD 0.02%). This variant has not been reported in the literature in individuals affected with ROGDI-related conditions. ClinVar contains an entry for this variant (Variation ID: 639052). Algorithms developed to predict the effect of missense changes on protein structure and function (SIFT, PolyPhen-2, Align-GVGD) all suggest that this variant is likely to be tolerated. Algorithms developed to predict the effect of sequence changes on RNA splicing suggest that this variant may create or strengthen a splice site. In summary, the available evidence is currently insufficient to determine the role of this variant in disease. Therefore, it has been classified as a Variant of Uncertain Significance.